The following is an entry in ClinVar:

NM_144997.7(FLCN):c.1288G>A (p.Val430Met)

Gene: FLCN (folliculin; minus strand). Cytogenetic location: 17p11.2.
Variant type: single nucleotide variant.
Coding change: c.1288G>A on transcript NM_144997.7 (MANE Select); coding-DNA position 1288, G replaced by A.
Protein change: p.Val430Met; replaces valine 430 with methionine.
Molecular consequence: missense variant.
Genome position (GRCh38, 1-based): chr17:17,216,392, C>T on the plus strand (G>A on the coding strand, the complement: FLCN is on the minus strand). VCF-style: chr17-17216392-C-T. GRCh37 (hg19) VCF-style: chr17-17119706-C-T.
Other names: c.1342G>A, p.Val448Met (NM_001353229.2); c.1288G>A, p.Val430Met (NM_001353230.2, NM_001353231.2); short protein forms V430M, V448M.
Identifiers: ClinVar variation 818811 (VCV000818811.13), dbSNP rs911287169, ClinGen allele CA288307083.

ClinVar aggregate classification (germline): Uncertain significance. Review status: criteria provided, multiple submitters, no conflicts (2 of 4 stars). 3 submissions from 3 submitters: Uncertain significance (3). Last evaluated 2025-12-01.

Conditions:
Hereditary cancer-predisposing syndrome. Also called: Hereditary Cancer Syndrome; Neoplastic Syndromes, Hereditary; Hereditary neoplastic syndrome; Tumor predisposition. Identifiers: Orphanet 140162, MedGen C0027672, MeSH D009386, MONDO:0015356.
Birt-Hogg-Dube syndrome. Also called: Birt Hogg Dubé syndrome. Identifiers: Orphanet 122, MedGen C0346010, MONDO:0800444.
Nonpapillary renal cell carcinoma. Identifiers: Orphanet 422526, MedGen CN074294, MONDO:0007763, OMIM 144700.
Birt-Hogg-Dube syndrome 1 (BHD1). Also called: FIBROFOLLICULOMAS WITH TRICHODISCOMAS AND ACROCHORDONS. Identifiers: Orphanet 122, MedGen CN375946, MONDO:0800445, OMIM 135150.
Familial spontaneous pneumothorax (PSP). Identifiers: Orphanet 2903, MedGen C1868193, MONDO:0008259, OMIM 173600.
Colorectal cancer. Also called: Malignant Colorectal Neoplasm; Colorectal cancer, somatic. Identifiers: MedGen C0346629, MONDO:0005575, OMIM 114500.

Allele frequency attached by ClinVar (database versions not stated): gnomAD exomes below 0.00001; gnomAD 0.00001.
gnomAD v4.1: 3 of 1,613,456 alleles (0.00019%); highest among the groups gnomAD compares: East Asian, 0.0022%; no homozygotes.

Submissions (3):

Labcorp Genetics (formerly Invitae), Labcorp
Classification: Uncertain significance for Birt-Hogg-Dube syndrome. Last evaluated: 2025-12-01. Review status: criteria provided, single submitter. Criteria: Invitae Variant Classification Sherloc (09022015). Collection method: clinical testing. Allele origin: germline.
Comment: This sequence change replaces valine, which is neutral and non-polar, with methionine, which is neutral and non-polar, at codon 430 of the FLCN protein (p.Val430Met). This variant is not present in population databases (gnomAD no frequency). This variant has not been reported in the literature in individuals affected with FLCN-related conditions. ClinVar contains an entry for this variant (Variation ID: 818811). Invitae Evidence Modeling of protein sequence and biophysical properties (such as structural, functional, and spatial information, amino acid conservation, physicochemical variation, residue mobility, and thermodynamic stability) indicates that this missense variant is not expected to disrupt FLCN protein function with a negative predictive value of 80%. In summary, the available evidence is currently insufficient to determine the role of this variant in disease. Therefore, it has been classified as a Variant of Uncertain Significance.

Ambry Genetics
Classification: Uncertain significance for Hereditary cancer-predisposing syndrome. Last evaluated: 2025-01-31. Review status: criteria provided, single submitter. Criteria: Ambry Variant Classification Scheme 2023. Collection method: clinical testing. Allele origin: germline.
Comment: The p.V430M variant (also known as c.1288G>A), located in coding exon 8 of the FLCN gene, results from a G to A substitution at nucleotide position 1288. The valine at codon 430 is replaced by methionine, an amino acid with highly similar properties. This amino acid position is not well conserved in available vertebrate species. In addition, the in silico prediction for this alteration is inconclusive. Based on the available evidence, the clinical significance of this variant remains unclear.

Fulgent Genetics
Classification: Uncertain significance for Colorectal cancer; Birt-Hogg-Dube syndrome 1; Nonpapillary renal cell carcinoma; Familial spontaneous pneumothorax. Last evaluated: 2024-05-31. Review status: criteria provided, single submitter. Criteria: ACMG Guidelines, 2015. Collection method: clinical testing. Allele origin: germline.